The following is an entry in ClinVar:

NM_014049.5(ACAD9):c.1663C>G (p.Arg555Gly)

Genes: ACAD9 (acyl-CoA dehydrogenase family member 9; plus strand), CFAP92 (cilia and flagella associated protein 92 (putative); minus strand). Cytogenetic location: 3q21.3.
Variant type: single nucleotide variant.
Coding change: c.1663C>G on transcript NM_014049.5 (MANE Select); coding-DNA position 1663, C replaced by G.
Protein change: p.Arg555Gly; replaces arginine 555 with glycine.
Molecular consequence: missense variant. On other transcripts: non-coding transcript variant (1), 3 prime UTR variant (3).
Genome position (GRCh38, 1-based): chr3:128,910,120, C>G. VCF-style: chr3-128910120-C-G. GRCh37 (hg19) VCF-style: chr3-128628963-C-G.
Other names: c.1294C>G, p.Arg432Gly (NM_001410805.1); c.*179G>C (NM_001348520.2, NM_001348521.2, NM_001394090.1); short protein forms R555G, R432G.
Identifiers: ClinVar variation 1984182 (VCV001984182.3), dbSNP rs748222640, ClinGen allele CA354439713.
Genomic context (GRCh38, chr3:128,910,120, plus strand): 5'-AACATCCTCATCAACCTGTATGGCATGACGGCCGTGCTGTCGCGGGCCAGCCGCTCCATC[C>G]GCATTGGGCTCCGCAACCACGACCACGAGGTGAGCCCAGCCCAGCCTCACACAGGGCCTG-3'
Protein context (NP_054768.2, residues 545-565): AVLSRASRSI[Arg555Gly]IGLRNHDHEV

ClinVar aggregate classification (germline): Uncertain significance (1 of 4 stars; one submission).

gnomAD v4.1: 4 of 1,614,040 alleles (0.00025%); highest among the groups gnomAD compares: Non-Finnish European, 0.00025%; no homozygotes.

Submission:

Labcorp Genetics (formerly Invitae), Labcorp
Classification: Uncertain significance. Last evaluated: 2022-04-12. Review status: criteria provided, single submitter. Criteria: Invitae Variant Classification Sherloc (09022015). Collection method: clinical testing. Allele origin: germline.
Comment: This variant has not been reported in the literature in individuals affected with ACAD9-related conditions. In summary, the available evidence is currently insufficient to determine the role of this variant in disease. Therefore, it has been classified as a Variant of Uncertain Significance. Advanced modeling of protein sequence and biophysical properties (such as structural, functional, and spatial information, amino acid conservation, physicochemical variation, residue mobility, and thermodynamic stability) performed at Invitae indicates that this missense variant is not expected to disrupt ACAD9 protein function. This variant is not present in population databases (gnomAD no frequency). This sequence change replaces arginine, which is basic and polar, with glycine, which is neutral and non-polar, at codon 555 of the ACAD9 protein (p.Arg555Gly).